The following is an entry in ClinVar:

ClinVar aggregate classification (germline): Conflicting classifications of pathogenicity. Review status: criteria provided, conflicting classifications (1 of 4 stars). 15 submissions from 14 submitters: Pathogenic (4); Likely pathogenic (1); Uncertain significance (5); Likely benign (1). 4 of the submissions do not count toward it. Last evaluated 2026-02-06.

Conditions:
Factor I deficiency (CFID). Also called: Complement factor I deficiency. Identifiers: Orphanet 200418, MedGen C3463916, MONDO:0012594, OMIM 610984.
CFI-related disorder. Also called: CFI-related condition; CFI-related disorders. Identifiers: MedGen CN239325.
Kidney failure. Identifiers: MedGen C0035078, MONDO:0001106.
Age related macular degeneration 13. Identifiers: MedGen C3809523, MONDO:0014189, OMIM 615439.
Atypical hemolytic-uremic syndrome with I factor anomaly. Also called: HEMOLYTIC UREMIC SYNDROME, ATYPICAL, SUSCEPTIBILITY TO, 3; AHUS, SUSCEPTIBILITY TO, 3. Identifiers: Orphanet 2134, MedGen C2752039, MONDO:0013041, OMIM 612923.
Macular degeneration, age-related, 13, susceptibility to. Identifiers: MedGen C4016436.
Atypical hemolytic-uremic syndrome. Identifiers: Orphanet 2134, MedGen C2931788, MONDO:0016244.

Allele frequency attached by ClinVar (database versions not stated): gnomAD exomes 0.00042 and 0.00082; TOPMed 0.00043; gnomAD 0.00039 and 0.00040; ExAC 0.00053; ESP Exome Variant Server 0.00085.
gnomAD v4.1: 1,231 of 1,613,848 alleles (0.076%); highest among the groups gnomAD compares: Non-Finnish European, 0.1%; 3 homozygotes.

Submissions 1 to 11 of 15:

Women's Health and Genetics/Laboratory Corporation of America, LabCorp
Classification: Uncertain significance. Last evaluated: 2026-02-06. Review status: criteria provided, single submitter. Criteria: LabCorp Variant Classification Summary - May 2015. Collection method: clinical testing. Allele origin: germline.
Comment: Variant summary: CFI c.355G>A (p.Gly119Arg) results in a non-conservative amino acid change located in the SRCR domain (IPR001190) of the encoded protein sequence. Algorithms developed to predict the effect of missense changes on protein structure and function are either unavailable or do not agree on the potential impact of this missense change. At least one publication reports experimental evidence that this variant affects mRNA splicing resulting in skipping of exon 3 (Donelson_2024). The variant allele was found at a frequency of 0.00076 in 1613848 control chromosomes, predominantly at a frequency of 0.001 within the Non-Finnish European subpopulation in the gnomAD database, including 3 homozygotes. The observed variant frequency within Non-Finnish European control individuals in the gnomAD database exceeds the estimated maximal expected allele frequency for disease-causing variants in CFI. c.355G>A has been observed in individual(s) affected with atypical hemolytic-uremic syndrome or age-related macular degeneration, without strong evidence for pathogenicity (i.e. segregation data) and has also been reported in healthy controls (e.g. Maga_2010, van de Ven_2013, de Jong_2020, Zhang_2022, Andreadi_2025, Duineveld_2025, Seddon_2013). It has been reported in at least two presumably compound heterozygous individuals (phase unspecified) with Atypical Hemolytic Uremic Syndrome/C3 glomerulopathy who were not described as having clinical features of Complement Factor I Deficiency (e.g. Maga_2010, Zhang_2022) and to our knowledge, this variant has not been reported in individuals with this condition. These report(s) do not provide unequivocal conclusions about association of the variant with atypical hemolytic-uremic syndrome. At least two publications report experimental evidence evaluating an impact on protein function (van de Ven_2013, de Jong_2020). The variant results in decreased expression and secretion in vitro, but has a higher efficiency versus the wild type protein. Heterozygous carriers of the variant have been found to have reduced FI plasma levels, at approximately 55-60% of normal, however the clinical significance of this with respect to disease manifestation is unclear (de Jong_2020). The following publications have been ascertained in the context of this evaluation (PMID: 39584280, 39238643, 39049128, 20513133, 24036952, 35619721, 32510551, 23685748). ClinVar contains an entry for this variant (Variation ID: 66014). Based on the evidence outlined above, the variant was classified as uncertain significance.

Labcorp Genetics (formerly Invitae), Labcorp
Classification: Likely benign. Last evaluated: 2026-01-21. Review status: criteria provided, single submitter. Criteria: Invitae Variant Classification Sherloc (09022015). Collection method: clinical testing. Allele origin: germline.

Genomenon, Inc
Classification: Pathogenic for CFI-related disorder. Last evaluated: 2025-09-26. Review status: criteria provided, single submitter. Criteria: Genomenon Sequence Variant Interpretation Standards - Updated. Collection method: curation. Allele origin: germline. Affected: yes.
Comment: CFI p.Gly119Arg (c.355G>A) is a missense variant that changes the amino acid at residue 119 from Glycine to Arginine. This variant has been observed in at least one proband affected with a CFI-related disorder (PMID:35619721;23307876;30890598;27268256;34169201;23431077;33956337;37466676;22456601;20513133;28596415;27799617). At least one functional study has demonstrated a substantial alteration in protein function relative to the wild-type (PMID:35069568;32510551;23685748). At least one splicing study identified that this variant results in aberrant splicing (PMID:39238643). In conclusion, we classify CFI p.Gly119Arg (c.355G>A) as a pathogenic variant.

Mayo Clinic Laboratories, Mayo Clinic
Classification: Pathogenic. Last evaluated: 2025-07-02. Review status: criteria provided, single submitter. Criteria: ACMG Guidelines, 2015. Collection method: clinical testing. Allele origin: germline. Observed: 5 variant alleles.
Comment: PP4, PS3, PS4_moderate, PVS1_strong

Variantyx, Inc.
Classification: Pathogenic for Age related macular degeneration 13. Last evaluated: 2025-03-13. Review status: criteria provided, single submitter. Criteria: Variantyx Assertion Criteria 2022. Collection method: clinical testing. Allele origin: maternal.
Comment: This is a nonsynonymous variant in the CFI gene (OMIM: 217030). Pathogenic variants in this gene have been associated with autosomal dominant susceptibility to age-related macular degeneration 13. The frequency of this variant in affected individuals is significantly increased compared to controls (PMID: 23685748) (PS4). Functional studies have shown that this variant alters CFI protein function (PMID: 23685748, 32908800, 32510551) (PS3). Computational algorithms produce conflicting evidence regarding the predicted functional impact of this variant (REVEL score: 0.324). This variant has a 0.1011% maximum allele frequency in non-founder control populations. Based on the current evidence, this variant is classified as risk allele for autosomal dominant susceptibility to age-related macular degeneration 13.

Center for Genomic Medicine, Rigshospitalet, Copenhagen University Hospital
Classification: Uncertain significance. Last evaluated: 2025-03-04. Review status: criteria provided, single submitter. Criteria: ACMG Guidelines, 2015. Collection method: clinical testing. Allele origin: germline.

Fulgent Genetics
Classification: Uncertain significance for Factor I deficiency; Atypical hemolytic-uremic syndrome with I factor anomaly; Age related macular degeneration 13. Last evaluated: 2024-02-02. Review status: criteria provided, single submitter. Criteria: ACMG Guidelines, 2015. Collection method: clinical testing. Allele origin: germline.

GeneDx
Classification: Likely pathogenic. Last evaluated: 2022-02-18. Review status: criteria provided, single submitter. Criteria: GeneDx Variant Classification Process June 2021. Collection method: clinical testing. Allele origin: germline. Affected: yes.
Comment: Published functional studies demonstrate reduced expression and activity (van de Ven et al., 2013); In silico analysis supports that this missense variant has a deleterious effect on protein structure/function; This variant is associated with the following publications: (PMID: 20513133, 23685748, 26767664, 28637922, 28282489, 27939104, 27380463, 29398083, 29410599, 31528764, 31614353, 32510551, 32832254, 25352734, 24036952, 26691988, 29087762, 27918759, 29700787, 29888403, 29392637, 20203157, 32516404, 32195675, 33610747, 34153144, 34945728, 34169201)

Baylor Genetics
Classification: Uncertain significance for Factor I deficiency. Last evaluated: 2021-05-28. Review status: criteria provided, single submitter. Criteria: ACMG Guidelines, 2015. Collection method: clinical testing. Allele origin: unknown.

Victorian Clinical Genetics Services, Murdoch Childrens Research Institute
Classification: Pathogenic for Atypical hemolytic-uremic syndrome with I factor anomaly. Last evaluated: 2020-11-06. Review status: criteria provided, single submitter. Criteria: ACMG Guidelines, 2015. Collection method: clinical testing. Allele origin: maternal. Affected: yes.
Comment: Evidence in support of status as susceptibility allele: - Variant is present in gnomAD (v2) <0.001 for a dominant condition (120 heterozygotes, 0 homozygotes). - This variant has been reported as a susceptibility factor for aHUS and has been reported in patients with aHUS (PMIDs: 27177491, 20513133 and ClinVar). Additional information: - Loss of function in this gene is associated with susceptibility to atypical haemolytic uraemic syndrome (aHUS) 3 (MIM#612923). - This gene is associated with autosomal recessive complement factor I deficiency (MIM#610984). Monoallelic variants in this gene are associated with susceptibility to aHUS 3 (MIM#612923). - Variant is predicted to result in a missense amino acid change from glycine to arginine. - This variant is heterozygous. - Missense variant with conflicting in silico predictions and uninformative conservation. - Variant is located in the annotated CD5 domain (PMID: 20513133).

Cambridge Genomics Laboratory, East Genomic Laboratory Hub, NHS Genomic Medicine Service
Classification: Uncertain significance for Kidney failure. Last evaluated: 2020-02-28. Review status: criteria provided, single submitter. Criteria: ACGS Best Practice Guidelines for Variant Classification in Rare Disease 2020. Collection method: clinical testing. Allele origin: germline. Affected: yes. Observed: 1 variant allele.

NM_000204.5(CFI):c.355G>A (p.Gly119Arg)

Gene: CFI (complement factor I; minus strand). Cytogenetic location: 4q25.
Variant type: single nucleotide variant.
Coding change: c.355G>A on transcript NM_000204.5 (MANE Select); coding-DNA position 355, G replaced by A.
Protein change: p.Gly119Arg; replaces glycine 119 with arginine.
Molecular consequence: missense variant. On other transcripts: non-coding transcript variant (3), intron variant (1).
Genome position (GRCh38, 1-based): chr4:109,764,664, C>T on the plus strand (G>A on the coding strand, the complement: CFI is on the minus strand). VCF-style: chr4-109764664-C-T. GRCh37 (hg19) VCF-style: chr4-110685820-C-T.
Other names: c.355G>A, p.Gly119Arg (NM_001318057.2, NM_001331035.2, NM_001375278.1 and 5 more transcripts); c.-127-2972G>A (NM_001375284.1); short protein forms G119R.
Identifiers: ClinVar variation 66014 (VCV000066014.32), dbSNP rs141853578, ClinGen allele CA278398.